The following is an entry in ClinVar:

ClinVar aggregate classification (germline): Benign/Likely benign. Review status: criteria provided, multiple submitters, no conflicts (2 of 4 stars). 3 submissions from 3 submitters: Benign (1); Likely benign (2). Last evaluated 2026-06-25.

Conditions:
Retinoblastoma (RB1). Also called: RETINOBLASTOMA, SOMATIC. Identifiers: Orphanet 790, MedGen C0035335, MeSH D012175, MONDO:0008380, OMIM 180200, HP:0009919. Disease mechanism: loss of function. Inheritance: Both sporadic and heritable forms are tested..

Allele frequency attached by ClinVar (database versions not stated): gnomAD exomes 0.00002; gnomAD 0.00004 and 0.00002; TOPMed 0.00007; ExAC 0.00002.
gnomAD v4.1: 30 of 1,609,962 alleles (0.0019%); highest among the groups gnomAD compares: South Asian, 0.013%; no homozygotes.

Submissions (3):

Myriad Genetics, Inc.
Classification: Benign for Retinoblastoma. Last evaluated: 2026-06-25. Review status: criteria provided, single submitter. Criteria: Myriad Autosomal Dominant, Autosomal Recessive and X-Linked Classification Criteria (2023). Collection method: clinical testing. Allele origin: unknown.
Comment: This variant is considered benign. This variant is intronic and is not expected to impact mRNA splicing. This variant has been observed at a population frequency that is significantly greater than expected given the associated disease prevalence and penetrance.

Labcorp Genetics (formerly Invitae), Labcorp
Classification: Likely benign for Retinoblastoma. Last evaluated: 2025-12-24. Review status: criteria provided, single submitter. Criteria: Invitae Variant Classification Sherloc (09022015). Collection method: clinical testing. Allele origin: germline.

Illumina Laboratory Services, Illumina
Classification: Likely benign for Retinoblastoma. Last evaluated: 2018-01-13. Review status: criteria provided, single submitter. Criteria: ICSL Variant Classification Criteria 13 December 2019. Collection method: clinical testing. Allele origin: germline.
Comment: This variant was observed in the ICSL laboratory as part of a predisposition screen in an ostensibly healthy population. It had not been previously curated by ICSL or reported in the Human Gene Mutation Database (HGMD: prior to June 1st, 2018), and was therefore a candidate for classification through an automated scoring system. Utilizing variant allele frequency, disease prevalence and penetrance estimates, and inheritance mode, an automated score was calculated to assess if this variant is too frequent to cause the disease. Based on the score and internal cut-off values, a variant classified as likely benign is not then subjected to further curation. The score for this variant resulted in a classification of likely benign for this disease.

NM_000321.3(RB1):c.2106+8A>G

Gene: RB1 (RB transcriptional corepressor 1; plus strand). Cytogenetic location: 13q14.2.
Variant type: single nucleotide variant.
Coding change: c.2106+8A>G on transcript NM_000321.3 (MANE Select); 8 bases into the intron after coding-DNA position 2106, A replaced by G.
Molecular consequence: intron variant.
Genome position (GRCh38, 1-based): chr13:48,459,841, A>G. VCF-style: chr13-48459841-A-G. GRCh37 (hg19) VCF-style: chr13-49033977-A-G.
Identifiers: ClinVar variation 312294 (VCV000312294.16), dbSNP rs750581965, ClinGen allele CA034188.